The following is an entry in ClinVar:

ClinVar aggregate classification (germline): Conflicting classifications of pathogenicity. Review status: criteria provided, conflicting classifications (1 of 4 stars). 2 submissions from 2 submitters: Likely pathogenic (1); Uncertain significance (1). Last evaluated 2024-06-07.

Conditions:
Mucopolysaccharidosis, MPS-II (MPS2). Also called: Attenuated MPS (subtype; formerly known as mild MPS II); Severe MPS II; I2S deficiency; MPS 2; Hunter Syndrome; Mucopolysaccharidosis with skin involvement. Identifiers: Orphanet 580, Orphanet 79388, MedGen C0026705, MONDO:0010674, OMIM 309900.

Submissions (2):

Laboratory of Diagnosis and Therapy of Lysosomal Disorders, University of Padova
Classification: Likely pathogenic for Mucopolysaccharidosis, MPS-II. Last evaluated: 2024-06-07. Review status: criteria provided, single submitter. Criteria: ACMG Guidelines, 2015. Collection method: literature only. Allele origin: germline. Affected: yes. Observed: 1 variant allele.
Comment: Absent from controls (or at low frequency) in gnomAD database (PM2_Moderate), Missense variant in a gene with a low rate of benign missense variation (PP2_Supporting), Multiple lines of computational evidence support a deleterious effect (PP3_Supporting), Patient’s phenotype or family history highly specific for the disease (PP4_Strong)

Classification method: ACMG Guidelines [PMID:25741868] with modifications

Revvity Omics, Revvity
Classification: Uncertain significance for Mucopolysaccharidosis, MPS-II. Last evaluated: 2022-01-31. Review status: criteria provided, single submitter. Criteria: ACMG Guidelines, 2015. Collection method: clinical testing. Allele origin: germline.

Literature cited by the submitters: PubMed 21829674 (cited by Laboratory of Diagnosis and Therapy of Lysosomal Disorders, University of Padova).

NM_000202.8(IDS):c.200T>C (p.Leu67Pro)

Gene: IDS (iduronate 2-sulfatase; minus strand). Cytogenetic location: Xq28.
Variant type: single nucleotide variant.
Coding change: c.200T>C on transcript NM_000202.8 (MANE Select); coding-DNA position 200, T replaced by C.
Protein change: p.Leu67Pro; replaces leucine 67 with proline.
Molecular consequence: missense variant. On other transcripts: 5 prime UTR variant (1), non-coding transcript variant (1).
Genome position (GRCh38, 1-based): chrX:149,504,197, A>G on the plus strand (T>C on the coding strand, the complement: IDS is on the minus strand). VCF-style: chrX-149504197-A-G. GRCh37 (hg19) VCF-style: chrX-148585727-A-G.
Other names: c.-27T>C (NM_001166550.4); c.200T>C, p.Leu67Pro (NM_006123.5); short protein forms L67P.
Identifiers: ClinVar variation 2432689 (VCV002432689.5), dbSNP rs2520901143, ClinGen allele CA414527386.